The following is an entry in ClinVar:

NM_000878.5(IL2RB):c.283-66G>C

Gene: IL2RB (interleukin 2 receptor subunit beta; minus strand). Cytogenetic location: 22q12.3.
Variant type: single nucleotide variant.
Coding change: c.283-66G>C on transcript NM_000878.5 (MANE Select); 66 bases into the intron before coding-DNA position 283, G replaced by C.
Molecular consequence: intron variant.
Genome position (GRCh38, 1-based): chr22:37,139,288, C>G on the plus strand (G>C on the coding strand, the complement: IL2RB is on the minus strand). VCF-style: chr22-37139288-C-G. GRCh37 (hg19) VCF-style: chr22-37535328-C-G.
Other names: c.283-66G>C (NM_001346222.1, NM_001346223.2).
Identifiers: ClinVar variation 2688406 (VCV002688406.2), dbSNP rs2281093, ClinGen allele CA14940314.
Genomic context (GRCh38, chr22:37,139,288, plus strand): 5'-AGGGAAGGAGGGCAGGGGTGAAACTTCTAGCAGCTTCAGGCAGGGGAAGGGGGAGGCCAC[C>G]GGGATGACCTGGGAAGGATGGCAGCCTCTCCACATGCCCCGCCACCCAAGGCAGGGGCAG-3'

ClinVar aggregate classification (germline): Benign (1 of 4 stars; one submission).

Allele frequency attached by ClinVar (database versions not stated): 1000 Genomes Project 0.26997; 1000 Genomes Project 30x 0.27545; gnomAD 0.30118; TOPMed 0.31246.
gnomAD v4.1: 294,766 of 1,078,100 alleles (27%); highest among the groups gnomAD compares: African/African-American, 35%; 42,734 homozygotes.

Submission:

Unidad de Genómica Garrahan, Hospital de Pediatría Garrahan
Classification: Benign. Last evaluated: 2024-01-24. Review status: criteria provided, single submitter. Criteria: ACMG Guidelines, 2015. Collection method: clinical testing. Allele origin: germline. Affected: no. Observed: 49 variant alleles.
Comment: This variant is classified as Benign based on local population frequency. This variant was detected in 56% of patients studied by a panel of primary immunodeficiencies. Number of patients: 49. Only high quality variants are reported.